The following is an entry in ClinVar:

ClinVar aggregate classification (germline): Uncertain significance (1 of 4 stars; one submission).

Submission:

Ambry Genetics
Classification: Uncertain significance. Last evaluated: 2026-07-30. Review status: criteria provided, single submitter. Criteria: Ambry Variant Classification Scheme 2023. Collection method: clinical testing. Allele origin: germline.
Comment: The c.104delC variant, located in coding exon 2 of the RAD51B gene, results from a deletion of one nucleotide at nucleotide position 104, causing a translational frameshift with a predicted alternate stop codon (p.P35Hfs*5). The evidence for this gene-disease relationship is limited; therefore, the clinical significance of this variant is unclear.

NM_133510.4(RAD51B):c.104del (p.Pro35fs)

Gene: RAD51B (RAD51 paralog B; plus strand). Cytogenetic location: 14q24.1.
Variant type: Deletion.
Coding change: c.104del on transcript NM_133510.4 (MANE Select); coding-DNA position 104, one base deleted (C; older notation c.104delC).
Protein change: p.Pro35fs; shifts the reading frame from proline 35.
Molecular consequence: frameshift variant. On other transcripts: 5 prime UTR variant (2).
Genome position (GRCh38, 1-based): chr14:67,825,483, C deleted; the last of 4 consecutive C bases (chr14:67,825,480-67,825,483); deleting any one gives the same sequence. VCF-style (leftmost placement, unchanged base first): chr14-67825479-TC-T. GRCh37 (hg19) VCF-style: chr14-68292196-TC-T.
Other names: c.104del, p.Pro35fs (NM_001321809.2, NM_001321810.2, NM_001321812.1 and 6 more transcripts); c.-11del (NM_001321815.1); c.-352del (NM_001321817.2); short protein forms P35fs.
Identifiers: ClinVar variation 5027757 (VCV005027757.1).